The following is an entry in ClinVar:

ClinVar aggregate classification (germline): Benign/Likely benign. Review status: criteria provided, multiple submitters, no conflicts (2 of 4 stars). 4 submissions from 4 submitters: Benign (1); Likely benign (2). 1 of the submissions does not count toward it. Last evaluated 2026-01-27.

Conditions:
LFNG-related disorder. Also called: LFNG-related condition.
Spondylocostal dysostosis 3, autosomal recessive (SCDO3). Also called: LFNG-Related Spondylocostal Dysostosis, Autosomal Recessive. Identifiers: Orphanet 2311, MedGen C1853296, MONDO:0012349, OMIM 609813.

Allele frequency attached by ClinVar (database versions not stated): gnomAD 0.00205 and 0.00209; TOPMed 0.00222; 1000 Genomes Project 30x 0.00250; gnomAD exomes 0.00882; ExAC 0.01220.
gnomAD v4.1: 2,820 of 1,025,050 alleles (0.28%); highest among the groups gnomAD compares: Middle Eastern, 0.79%; 13 homozygotes.

Submissions (4):

Labcorp Genetics (formerly Invitae), Labcorp
Classification: Benign for Spondylocostal dysostosis 3, autosomal recessive. Last evaluated: 2026-01-27. Review status: criteria provided, single submitter. Criteria: Invitae Variant Classification Sherloc (09022015). Collection method: clinical testing. Allele origin: germline.

CeGaT Center for Human Genetics Tuebingen
Classification: Likely benign. Last evaluated: 2025-04-01. Review status: criteria provided, single submitter. Criteria: CeGaT Center For Human Genetics Tuebingen Variant Classification Criteria Version 2. Collection method: clinical testing. Allele origin: germline. Affected: yes. Observed: 1 variant allele.
Comment: LFNG: BP4, BP7, BS2

Blueprint Genetics
Classification: Likely benign. Last evaluated: 2024-11-23. Review status: criteria provided, single submitter. Criteria: ACMG Guidelines, 2015. Collection method: clinical testing. Allele origin: germline.

PreventionGenetics, part of Exact Sciences
Classification: Benign for LFNG-related condition. Last evaluated: 2020-01-22. Review status: no assertion criteria provided. Collection method: clinical testing. Allele origin: germline. Not counted in ClinVar's aggregate classification.
Comment: This variant is classified as benign based on ACMG/AMP sequence variant interpretation guidelines (Richards et al. 2015 PMID: 25741868, with internal and published modifications).

NM_001040167.2(LFNG):c.75C>T (p.Thr25=)

Genes: LFNG (LFNG O-fucosylpeptide 3-beta-N-acetylglucosaminyltransferase; plus strand), LOC129997823 (ATAC-STARR-seq lymphoblastoid silent region 17876; plus strand). Cytogenetic location: 7p22.3.
Variant type: single nucleotide variant.
Coding change: c.75C>T on transcript NM_001040167.2 (MANE Select); coding-DNA position 75, C replaced by T.
Protein change: p.Thr25=; no amino-acid change (threonine 25 retained).
Molecular consequence: synonymous variant. On other transcripts: intron variant (2).
Genome position (GRCh38, 1-based): chr7:2,519,936, C>T. VCF-style: chr7-2519936-C-T. GRCh37 (hg19) VCF-style: chr7-2559570-C-T.
Other names: c.75C>T, p.Thr25= (NM_001040168.2); c.220-4759C>T (NM_001166355.2); c.45+1338C>T (NM_002304.3); c.75C>T (NM_001040167.1).
Identifiers: ClinVar variation 1165699 (VCV001165699.19), dbSNP rs767338996, ClinGen allele CA4126894.